The following is an entry in ClinVar:

ClinVar aggregate classification (germline): Uncertain significance (1 of 4 stars; one submission).

Submission:

GeneDx
Classification: Uncertain significance. Last evaluated: 2022-08-06. Review status: criteria provided, single submitter. Criteria: GeneDx Variant Classification Process June 2021. Collection method: clinical testing. Allele origin: germline. Affected: yes.
Comment: Not observed at significant frequency in large population cohorts (gnomAD); In silico analysis supports a deleterious effect on splicing; Has not been previously published as pathogenic or benign to our knowledge; Variants in candidate genes are classified as variants of uncertain significance in accordance with ACMG guidelines (Richards et al., 2015)

NM_006885.4(ZFHX3):c.3967+5G>A

Genes: ZFHX3 (zinc finger homeobox 3; minus strand), ZFHX3-AS1 (ZFHX3 antisense RNA 1; plus strand). Cytogenetic location: 16q22.3.
Variant type: single nucleotide variant.
Coding change: c.3967+5G>A on transcript NM_006885.4 (MANE Select); 5 bases into the intron after coding-DNA position 3967, G replaced by A.
Molecular consequence: intron variant.
Genome position (GRCh38, 1-based): chr16:72,800,022, C>T on the plus strand (G>A on the coding strand, the complement: ZFHX3 is on the minus strand). VCF-style: chr16-72800022-C-T. GRCh37 (hg19) VCF-style: chr16-72833921-C-T.
Other names: c.3967+5G>A (NM_001386735.1); c.1225+5G>A (NM_001164766.2).
Identifiers: ClinVar variation 3342586 (VCV003342586.1).